The following is an entry in ClinVar:

NM_001042492.3(NF1):c.6642+5A>G

Gene: NF1 (neurofibromin 1; plus strand). Cytogenetic location: 17q11.2.
Variant type: single nucleotide variant.
Coding change: c.6642+5A>G on transcript NM_001042492.3 (MANE Select); 5 bases into the intron after coding-DNA position 6642, A replaced by G.
Molecular consequence: intron variant.
Genome position (GRCh38, 1-based): chr17:31,337,587, A>G. VCF-style: chr17-31337587-A-G. GRCh37 (hg19) VCF-style: chr17-29664605-A-G.
Other names: c.6579+5A>G (NM_000267.4).
Identifiers: ClinVar variation 573534 (VCV000573534.9), dbSNP rs1567617536, ClinGen allele CA891844405.

ClinVar aggregate classification (germline): Conflicting classifications of pathogenicity. Review status: criteria provided, conflicting classifications (1 of 4 stars). 2 submissions from 2 submitters: Uncertain significance (1); Likely benign (1). Last evaluated 2024-07-25.

Conditions:
Neurofibromatosis, type 1 (NF1). Also called: Peripheral type neurofibromatosis; VON RECKLINGHAUSEN DISEASE; Neurofibromatosis, type I; NEUROFIBROMATOSIS, TYPE I, SOMATIC. Identifiers: Orphanet 636, MedGen C0027831, MONDO:0018975, OMIM 162200. Disease mechanism: loss of function.
Cardiovascular phenotype. Identifiers: MedGen CN230736.
Hereditary cancer-predisposing syndrome. Also called: Hereditary neoplastic syndrome; Neoplastic Syndromes, Hereditary; Hereditary Cancer Syndrome; Tumor predisposition. Identifiers: Orphanet 140162, MedGen C0027672, MeSH D009386, MONDO:0015356.

Submissions (2):

Ambry Genetics
Classification: Likely benign for Cardiovascular phenotype; Hereditary cancer-predisposing syndrome. Last evaluated: 2024-07-25. Review status: criteria provided, single submitter. Criteria: Ambry Variant Classification Scheme 2023. Collection method: clinical testing. Allele origin: germline.

Labcorp Genetics (formerly Invitae), Labcorp
Classification: Uncertain significance for Neurofibromatosis, type 1. Last evaluated: 2022-04-13. Review status: criteria provided, single submitter. Criteria: Invitae Variant Classification Sherloc (09022015). Collection method: clinical testing. Allele origin: germline.
Comment: This sequence change falls in intron 42 of the NF1 gene. It does not directly change the encoded amino acid sequence of the NF1 protein. It affects a nucleotide within the consensus splice site. This variant is not present in population databases (gnomAD no frequency). This variant has not been reported in the literature in individuals affected with NF1-related conditions. ClinVar contains an entry for this variant (Variation ID: 573534). Variants that disrupt the consensus splice site are a relatively common cause of aberrant splicing (PMID: 17576681, 9536098). Algorithms developed to predict the effect of sequence changes on RNA splicing suggest that this variant is not likely to affect RNA splicing. In summary, the available evidence is currently insufficient to determine the role of this variant in disease. Therefore, it has been classified as a Variant of Uncertain Significance.

Literature cited by the submitters: PubMed 17576681 (cited by Labcorp Genetics (formerly Invitae), Labcorp); PubMed 9536098 (cited by Labcorp Genetics (formerly Invitae), Labcorp).